The following is an entry in ClinVar:

NM_001145346.2(RBMXL3):c.1430G>A (p.Arg477His)

Genes: LRCH2 (leucine rich repeats and calponin homology domain containing 2; minus strand), RBMXL3 (RBMX like 3; plus strand). Cytogenetic location: Xq23.
Variant type: single nucleotide variant.
Coding change: c.1430G>A on transcript NM_001145346.2 (MANE Select); coding-DNA position 1430, G replaced by A.
Protein change: p.Arg477His; replaces arginine 477 with histidine.
Molecular consequence: missense variant. On other transcripts: intron variant (2).
Genome position (GRCh38, 1-based): chrX:115,190,871, G>A. VCF-style: chrX-115190871-G-A. GRCh37 (hg19) VCF-style: chrX-114425434-G-A.
Other names: c.350-2501C>T (NM_001243963.2, NM_020871.4); short protein forms R477H.
Identifiers: ClinVar variation 2367665 (VCV002367665.27), dbSNP rs782325047, ClinGen allele CA10496299.

ClinVar aggregate classification (germline): Conflicting classifications of pathogenicity. Review status: criteria provided, conflicting classifications (1 of 4 stars). 2 submissions from 2 submitters: Uncertain significance (1); Likely benign (1). Last evaluated 2026-03-01.

Allele frequency attached by ClinVar (database versions not stated): gnomAD exomes 0.00010; gnomAD 0.00016; ExAC 0.00020; 1000 Genomes Project 30x 0.00042; 1000 Genomes Project 0.00053.
gnomAD v4.1: 127 of 1,153,056 alleles (0.011%); highest among the groups gnomAD compares: South Asian, 0.045%; 2 homozygotes.

Submissions (2):

CeGaT Center for Human Genetics Tuebingen
Classification: Likely benign. Last evaluated: 2026-03-01. Review status: criteria provided, single submitter. Criteria: CeGaT Center For Human Genetics Tuebingen Variant Classification Criteria Version 2. Collection method: clinical testing. Allele origin: germline. Affected: yes. Observed: 2 variant alleles.
Comment: RBMXL3: BP4, BS2

Ambry Genetics
Classification: Uncertain significance. Last evaluated: 2024-10-21. Review status: criteria provided, single submitter. Criteria: Ambry Variant Classification Scheme 2023. Collection method: clinical testing. Allele origin: germline.